The following is an entry in ClinVar:

ClinVar aggregate classification (germline): Uncertain significance. Review status: criteria provided, multiple submitters, no conflicts (2 of 4 stars). 2 submissions from 2 submitters: Uncertain significance (2). Last evaluated 2024-10-21.

Conditions:
Epilepsy, progressive myoclonic, 1B. Also called: PME. Identifiers: Orphanet 308, MedGen C2676254, MONDO:0012904, OMIM 612437.

Allele frequency attached by ClinVar (database versions not stated): TOPMed below 0.00001; gnomAD 0.00001; 1000 Genomes Project 30x 0.00016.

Submissions (2):

Labcorp Genetics (formerly Invitae), Labcorp
Classification: Uncertain significance for Epilepsy, progressive myoclonic, 1B. Last evaluated: 2024-10-21. Review status: criteria provided, single submitter. Criteria: Invitae Variant Classification Sherloc (09022015). Collection method: clinical testing. Allele origin: germline.
Comment: This sequence change replaces aspartic acid, which is acidic and polar, with asparagine, which is neutral and polar, at codon 482 of the PRICKLE1 protein (p.Asp482Asn). This variant is not present in population databases (gnomAD no frequency). This missense change has been observed in individual(s) with myoclonic epilepsy, developmental delay, and autism (PMID: 29790814, 33057194, 35982159, 35982160). ClinVar contains an entry for this variant (Variation ID: 449153). Invitae Evidence Modeling of protein sequence and biophysical properties (such as structural, functional, and spatial information, amino acid conservation, physicochemical variation, residue mobility, and thermodynamic stability) indicates that this missense variant is expected to disrupt PRICKLE1 protein function with a positive predictive value of 80%. In summary, the available evidence is currently insufficient to determine the role of this variant in disease. Therefore, it has been classified as a Variant of Uncertain Significance.

GeneDx
Classification: Uncertain significance. Last evaluated: 2016-11-08. Review status: criteria provided, single submitter. Criteria: GeneDx Variant Classification (06012015). Collection method: clinical testing. Allele origin: germline. Affected: yes.
Comment: The de novo D482N variant in the PRICKLE1 gene has not been reported previously as a pathogenic variant, nor as a benign variant, to our knowledge. The D482N variant was not observed in approximately 6,500 individuals of European and African American ancestry in an external variant database, indicating it is not a common benign variant in these populations. The D482N variant is a semi-conservative amino acid substitution, which may impact secondary protein structure as these residues differ in some properties. This substitution occurs at a position that is conserved across species. In silico analysis is inconsistent in its predictions as to whether or not the variant is damaging to the protein structure/function. We interpret D482N as a variant of uncertain significance.

Literature cited by the submitters: PubMed 29790814 (cited by Labcorp Genetics (formerly Invitae), Labcorp); PubMed 33057194 (cited by Labcorp Genetics (formerly Invitae), Labcorp); PubMed 35982159 (cited by Labcorp Genetics (formerly Invitae), Labcorp); PubMed 35982160 (cited by Labcorp Genetics (formerly Invitae), Labcorp).

NM_153026.3(PRICKLE1):c.1444G>A (p.Asp482Asn)

Gene: PRICKLE1 (prickle planar cell polarity protein 1; minus strand). Cytogenetic location: 12q12.
Variant type: single nucleotide variant.
Coding change: c.1444G>A on transcript NM_153026.3 (MANE Select); coding-DNA position 1444, G replaced by A.
Protein change: p.Asp482Asn; replaces aspartic acid 482 with asparagine.
Molecular consequence: missense variant.
Genome position (GRCh38, 1-based): chr12:42,464,590, C>T on the plus strand (G>A on the coding strand, the complement: PRICKLE1 is on the minus strand). VCF-style: chr12-42464590-C-T. GRCh37 (hg19) VCF-style: chr12-42858392-C-T.
Other names: c.1444G>A, p.Asp482Asn (NM_001144881.2, NM_001144882.2, NM_001144883.2); short protein forms D482N.
Identifiers: ClinVar variation 449153 (VCV000449153.12), dbSNP rs1555229983, ClinGen allele CA384441679.
Genomic context (GRCh38, chr12:42,464,590, plus strand): 5'-GTTCCAATTCCTGAAGCCTTCTACTGCTTGCAGGGCCTGGGTGGCTGCCATAAGCAGAAT[C>T]GCCCAGTCCATCTTGTGACTGTGCCCAGTACATATCAGACTGGTATTTTTTACTTGCAAG-3'
Protein context (NP_694571.2, residues 472-492): YWAQSQDGLG[Asp482Asn]SAYGSHPGPA